The following is an entry in ClinVar:

ClinVar aggregate classification (germline): Uncertain significance. Review status: criteria provided, multiple submitters, no conflicts (2 of 4 stars). 2 submissions from 2 submitters: Uncertain significance (2). Last evaluated 2025-12-11.

Conditions:
Hereditary cancer-predisposing syndrome. Also called: Neoplastic Syndromes, Hereditary; Tumor predisposition; Hereditary Cancer Syndrome; Hereditary neoplastic syndrome. Identifiers: Orphanet 140162, MedGen C0027672, MeSH D009386, MONDO:0015356.

gnomAD v4.1: 2 of 1,613,812 alleles (0.00012%); highest among the groups gnomAD compares: Non-Finnish European, 0.00017%; no homozygotes.

Submissions (2):

Ambry Genetics
Classification: Uncertain significance for Hereditary cancer-predisposing syndrome. Last evaluated: 2025-12-11. Review status: criteria provided, single submitter. Criteria: Ambry Variant Classification Scheme 2023. Collection method: clinical testing. Allele origin: germline.
Comment: The p.S577A variant (also known as c.1729T>G), located in coding exon 11 of the FLCN gene, results from a T to G substitution at nucleotide position 1729. The serine at codon 577 is replaced by alanine, an amino acid with similar properties. This amino acid position is poorly conserved in available vertebrate species. In addition, this alteration is predicted to be tolerated by in silico analysis. Since supporting evidence is limited at this time, the clinical significance of this alteration remains unclear.

GeneDx
Classification: Uncertain significance. Last evaluated: 2025-06-20. Review status: criteria provided, single submitter. Criteria: GeneDx Variant Classification Process June 2021. Collection method: clinical testing. Allele origin: germline. Affected: yes.
Comment: Not observed at significant frequency in large population cohorts (gnomAD); In silico analysis suggests that this missense variant does not alter protein structure/function; Has not been previously published as pathogenic or benign to our knowledge

NM_144997.7(FLCN):c.1729T>G (p.Ser577Ala)

Gene: FLCN (folliculin; minus strand). Cytogenetic location: 17p11.2.
Variant type: single nucleotide variant.
Coding change: c.1729T>G on transcript NM_144997.7 (MANE Select); coding-DNA position 1729, T replaced by G.
Protein change: p.Ser577Ala; replaces serine 577 with alanine.
Molecular consequence: missense variant.
Genome position (GRCh38, 1-based): chr17:17,213,666, A>C on the plus strand (T>G on the coding strand, the complement: FLCN is on the minus strand). VCF-style: chr17-17213666-A-C. GRCh37 (hg19) VCF-style: chr17-17116980-A-C.
Other names: c.1783T>G, p.Ser595Ala (NM_001353229.2); c.1729T>G, p.Ser577Ala (NM_001353230.2, NM_001353231.2); short protein forms S595A, S577A.
Identifiers: ClinVar variation 1778931 (VCV001778931.4), dbSNP rs886426221, ClinGen allele CA288303481.